The following is an entry in ClinVar:

ClinVar aggregate classification (germline): Likely benign. Review status: criteria provided, multiple submitters, no conflicts (2 of 4 stars). 2 submissions from 2 submitters: Likely benign (2). Last evaluated 2026-06-01.

Allele frequency attached by ClinVar (database versions not stated): gnomAD 0.00011; 1000 Genomes Project 30x 0.00016; 1000 Genomes Project 0.00020; ESP Exome Variant Server 0.00023.
gnomAD v4.1: 468 of 1,614,104 alleles (0.029%); highest among the groups gnomAD compares: Non-Finnish European, 0.037%; no homozygotes.

Submissions (2):

CeGaT Center for Human Genetics Tuebingen
Classification: Likely benign. Last evaluated: 2026-06-01. Review status: criteria provided, single submitter. Criteria: CeGaT Center For Human Genetics Tuebingen Variant Classification Criteria Version 2. Collection method: clinical testing. Allele origin: germline. Affected: yes. Observed: 5 variant alleles.
Comment: ATP1A1: BP4, BP7

Labcorp Genetics (formerly Invitae), Labcorp
Classification: Likely benign. Last evaluated: 2025-11-21. Review status: criteria provided, single submitter. Criteria: Invitae Variant Classification Sherloc (09022015). Collection method: clinical testing. Allele origin: germline.

NM_000701.8(ATP1A1):c.1608C>T (p.Asp536=)

Genes: ATP1A1 (ATPase Na+/K+ transporting subunit alpha 1; plus strand), ATP1A1-AS1 (ATP1A1 antisense RNA 1; minus strand). Cytogenetic location: 1p13.1.
Variant type: single nucleotide variant.
Coding change: c.1608C>T on transcript NM_000701.8 (MANE Select); coding-DNA position 1608, C replaced by T.
Protein change: p.Asp536=; no amino-acid change (aspartic acid 536 retained).
Molecular consequence: synonymous variant.
Genome position (GRCh38, 1-based): chr1:116,393,671, C>T. VCF-style: chr1-116393671-C-T. GRCh37 (hg19) VCF-style: chr1-116936293-C-T.
Other names: c.1608C>T, p.Asp536= (NM_001160233.2); c.1515C>T, p.Asp505= (NM_001160234.2).
Identifiers: ClinVar variation 1609503 (VCV001609503.32), dbSNP rs142766448, ClinGen allele CA1025353.
Genomic context (GRCh38, chr1:116,393,671, plus strand): 5'-CCGTTGCAGCTCTATCCTCCTCCACGGCAAGGAGCAGCCCCTGGATGAGGAGCTGAAAGA[C>T]GCCTTTCAGAACGCCTATTTGGAGCTGGGGGGCCTCGGAGAACGAGTCCTAGGTATGCAG-3'
Protein context (NP_000692.2, residues 526-546): KEQPLDEELK[Asp536=]AFQNAYLELG